The following is an entry in ClinVar:

ClinVar aggregate classification (germline): Uncertain significance. Review status: criteria provided, multiple submitters, no conflicts (2 of 4 stars). 2 submissions from 2 submitters: Uncertain significance (2). Last evaluated 2021-11-24.

Conditions:
Cardiovascular phenotype. Identifiers: MedGen CN230736.
Primary familial hypertrophic cardiomyopathy (HCM). Identifiers: Orphanet 99739, MedGen C0949658, MeSH D024741, MONDO:0024573. Inheritance: Various modes of inheritance.
Dilated cardiomyopathy 1AA (CMD1AA). Also called: CARDIOMYOPATHY, DILATED, 1AA, WITH OR WITHOUT LEFT VENTRICULAR NONCOMPACTION; CARDIOMYOPATHY, FAMILIAL HYPERTROPHIC, 23, WITH OR WITHOUT LEFT VENTRICULAR NONCOMPACTION; Cardiomyopathy, dilated, 1AA, with or without LVNC. Identifiers: Orphanet 154, MedGen C2677338, MONDO:0012808, OMIM 612158.

Submissions (2):

Labcorp Genetics (formerly Invitae), Labcorp
Classification: Uncertain significance for Primary familial hypertrophic cardiomyopathy; Dilated cardiomyopathy 1AA. Last evaluated: 2021-11-24. Review status: criteria provided, single submitter. Criteria: Invitae Variant Classification Sherloc (09022015). Collection method: clinical testing. Allele origin: germline.
Comment: In summary, the available evidence is currently insufficient to determine the role of this variant in disease. Therefore, it has been classified as a Variant of Uncertain Significance. Advanced modeling of protein sequence and biophysical properties (such as structural, functional, and spatial information, amino acid conservation, physicochemical variation, residue mobility, and thermodynamic stability) performed at Invitae indicates that this missense variant is not expected to disrupt ACTN2 protein function. This variant has not been reported in the literature in individuals affected with ACTN2-related conditions. This variant is not present in population databases (gnomAD no frequency). This sequence change replaces glutamic acid, which is acidic and polar, with aspartic acid, which is acidic and polar, at codon 414 of the ACTN2 protein (p.Glu414Asp).

Ambry Genetics
Classification: Uncertain significance for Cardiovascular phenotype. Last evaluated: 2018-10-29. Review status: criteria provided, single submitter. Criteria: Ambry Variant Classification Scheme 2023. Collection method: clinical testing. Allele origin: germline.
Comment: The p.E414D variant (also known as c.1242G>T), located in coding exon 11 of the ACTN2 gene, results from a G to T substitution at nucleotide position 1242. The glutamic acid at codon 414 is replaced by aspartic acid, an amino acid with highly similar properties. This amino acid position is highly conserved in available vertebrate species. In addition, the in silico prediction for this alteration is inconclusive. Since supporting evidence is limited at this time, the clinical significance of this alteration remains unclear.

NM_001103.4(ACTN2):c.1242G>T (p.Glu414Asp)

Gene: ACTN2 (actinin alpha 2; plus strand). Cytogenetic location: 1q43.
Variant type: single nucleotide variant.
Coding change: c.1242G>T on transcript NM_001103.4 (MANE Select); coding-DNA position 1242, G replaced by T.
Protein change: p.Glu414Asp; replaces glutamic acid 414 with aspartic acid.
Molecular consequence: missense variant.
Genome position (GRCh38, 1-based): chr1:236,743,030, G>T. VCF-style: chr1-236743030-G-T. GRCh37 (hg19) VCF-style: chr1-236906330-G-T.
Other names: c.1242G>T, p.Glu414Asp (NM_001278343.2); c.618G>T, p.Glu206Asp (NM_001278344.2); short protein forms E414D, E206D.
Identifiers: ClinVar variation 1353306 (VCV001353306.8), dbSNP rs775057676, ClinGen allele CA345382506.
Genomic context (GRCh38, chr1:236,743,030, plus strand): 5'-GAGACTGGAGCGCTTGGAACACCTGGCTGAGAAGTTCAGGCAGAAGGCCTCAACGCACGA[G>T]ACTTGGGCTTATGGTAAGTAGACAGGAGTCAGATTGGATTTTTGAAAAACCAGAGTTGAG-3'
Protein context (NP_001094.1, residues 404-424): EKFRQKASTH[Glu414Asp]TWAYGKEQIL